The following is an entry in ClinVar:

NM_002875.5(RAD51):c.138C>G (p.Phe46Leu)

Gene: RAD51 (RAD51 recombinase; plus strand). Cytogenetic location: 15q15.1.
Variant type: single nucleotide variant.
Coding change: c.138C>G on transcript NM_002875.5 (MANE Select); coding-DNA position 138, C replaced by G.
Protein change: p.Phe46Leu; replaces phenylalanine 46 with leucine.
Molecular consequence: missense variant.
Genome position (GRCh38, 1-based): chr15:40,701,114, C>G. VCF-style: chr15-40701114-C-G. GRCh37 (hg19) VCF-style: chr15-40993312-C-G.
Other names: c.138C>G, p.Phe46Leu (NM_001164269.2, NM_001164270.2, NM_133487.4); short protein forms F46L.
Identifiers: ClinVar variation 1771498 (VCV001771498.3), dbSNP rs1298742495, ClinGen allele CA391745680.

ClinVar aggregate classification (germline): Uncertain significance (1 of 4 stars; one submission).

Conditions:
Inborn genetic diseases. Identifiers: MedGen C0950123, MeSH D030342.

Allele frequency attached by ClinVar (database versions not stated): gnomAD exomes below 0.00001.
gnomAD v4.1: 2 of 1,614,176 alleles (0.00012%); highest among the groups gnomAD compares: Admixed American, 0.0017%; no homozygotes.

Submission:

Ambry Genetics
Classification: Uncertain significance for Inborn genetic diseases. Last evaluated: 2024-06-18. Review status: criteria provided, single submitter. Criteria: Ambry Variant Classification Scheme 2023. Collection method: clinical testing. Allele origin: germline.
Comment: The p.F46L variant (also known as c.138C>G), located in coding exon 2 of the RAD51 gene, results from a C to G substitution at nucleotide position 138. The phenylalanine at codon 46 is replaced by leucine, an amino acid with highly similar properties. This amino acid position is conserved. In addition, this alteration is predicted to be tolerated by in silico analysis. Since supporting evidence is limited at this time, the clinical significance of this alteration remains unclear.